The following is an entry in ClinVar:

ClinVar aggregate classification (germline): Uncertain significance (1 of 4 stars; one submission).

gnomAD v4.1: 2 of 1,551,588 alleles (0.00013%); highest among the groups gnomAD compares: Non-Finnish European, 0.00017%; no homozygotes.

Submission:

Labcorp Genetics (formerly Invitae), Labcorp
Classification: Uncertain significance. Last evaluated: 2022-01-05. Review status: criteria provided, single submitter. Criteria: Invitae Variant Classification Sherloc (09022015). Collection method: clinical testing. Allele origin: germline.
Comment: In summary, the available evidence is currently insufficient to determine the role of this variant in disease. Therefore, it has been classified as a Variant of Uncertain Significance. Algorithms developed to predict the effect of missense changes on protein structure and function (SIFT, PolyPhen-2, Align-GVGD) all suggest that this variant is likely to be tolerated. ClinVar contains an entry for this variant (Variation ID: 837045). This variant has not been reported in the literature in individuals affected with TRAF3IP1-related conditions. This variant is not present in population databases (gnomAD no frequency). This sequence change replaces arginine, which is basic and polar, with leucine, which is neutral and non-polar, at codon 192 of the TRAF3IP1 protein (p.Arg192Leu).

NM_015650.4(TRAF3IP1):c.575G>T (p.Arg192Leu)

Gene: TRAF3IP1 (TRAF3 interacting protein 1; plus strand). Cytogenetic location: 2q37.3.
Variant type: single nucleotide variant.
Coding change: c.575G>T on transcript NM_015650.4 (MANE Select); coding-DNA position 575, G replaced by T.
Protein change: p.Arg192Leu; replaces arginine 192 with leucine.
Molecular consequence: missense variant.
Genome position (GRCh38, 1-based): chr2:238,329,002, G>T. VCF-style: chr2-238329002-G-T. GRCh37 (hg19) VCF-style: chr2-239237643-G-T.
Other names: c.575G>T, p.Arg192Leu (NM_001139490.1); short protein forms R192L.
Identifiers: ClinVar variation 837045 (VCV000837045.9), dbSNP rs1039895833, ClinGen allele CA351244425.